The following is an entry in ClinVar:

ClinVar aggregate classification (germline): Uncertain significance. Review status: criteria provided, single submitter (1 of 4 stars). 2 submissions from 2 submitters: Uncertain significance (1). 1 of the submissions does not count toward it. Last evaluated 2023-02-06.

Conditions:
PKD1-related disorder. Also called: PKD1-related condition.

Allele frequency attached by ClinVar (database versions not stated): gnomAD 0.00001; gnomAD exomes 0.00001; TOPMed 0.00002.

Submissions (2):

GeneDx
Classification: Uncertain significance. Last evaluated: 2023-02-06. Review status: criteria provided, single submitter. Criteria: GeneDx Variant Classification Process June 2021. Collection method: clinical testing. Allele origin: germline. Affected: yes.
Comment: Reported in the homozygous state in a patient with renal cysts in published literature (Tutal et al., 2023); this patient's affected sibling was noted to be heterozygous for the same variant; Not observed at significant frequency in large population cohorts (gnomAD); In silico analysis supports that this missense variant has a deleterious effect on protein structure/function; This variant is associated with the following publications: (PMID: 36657418)

PreventionGenetics, part of Exact Sciences
Classification: Uncertain significance for PKD1-related condition. Last evaluated: 2024-07-11. Review status: no assertion criteria provided. Collection method: clinical testing. Allele origin: germline. Not counted in ClinVar's aggregate classification.
Comment: The PKD1 c.10033C>T variant is predicted to result in the amino acid substitution p.Arg3345Trp. This variant was reported to segregate with kidney disease in a family. The proband was homozygous and affected with increased renal echogenicity and renal cysts, and a sibling was heterozygous and affected with renal cysts (Sup Table 3, Tutal et al. 2024. PubMed ID: 36657418). This variant has not been reported in a large population database, indicating it is rare. At this time, the clinical significance of this variant is uncertain due to the absence of conclusive functional and genetic evidence.

NM_001009944.3(PKD1):c.10033C>T (p.Arg3345Trp)

Gene: PKD1 (polycystin 1, transient receptor potential channel interacting; minus strand). Cytogenetic location: 16p13.3.
Variant type: single nucleotide variant.
Coding change: c.10033C>T on transcript NM_001009944.3 (MANE Select); coding-DNA position 10033, C replaced by T.
Protein change: p.Arg3345Trp; replaces arginine 3345 with tryptophan.
Molecular consequence: missense variant.
Genome position (GRCh38, 1-based): chr16:2,099,661, G>A on the plus strand (C>T on the coding strand, the complement: PKD1 is on the minus strand). VCF-style: chr16-2099661-G-A. GRCh37 (hg19) VCF-style: chr16-2149662-G-A.
Other names: c.10033C>T, p.Arg3345Trp (NM_000296.4); short protein forms R3345W.
Identifiers: ClinVar variation 2574957 (VCV002574957.2), dbSNP rs986431548, ClinGen allele CA276773035.
Genomic context (GRCh38, chr16:2,099,661, plus strand): 5'-AGGCTCCATTCCCAGTACTCCCGGGTCCCCAGCCCCAGCCCACCTTGCTCCGGGACATCC[G>A]GAAGAGAAAAAGGATGGCCAGGTAGACGGGATAGACAACCACGCTGGACACCAGGCCAAC-3'
Protein context (NP_001009944.3, residues 3335-3355): PVYLAILFLF[Arg3345Trp]MSRSKVAGSP